The following is an entry in ClinVar:

ClinVar aggregate classification (germline): Uncertain significance. Review status: criteria provided, multiple submitters, no conflicts (2 of 4 stars). 2 submissions from 2 submitters: Uncertain significance (2). Last evaluated 2024-02-19.

Conditions:
8q24.3 microdeletion syndrome. Also called: CHROMOSOME 8q24.3 DELETION SYNDROME; Verheij syndrome. Identifiers: Orphanet 508488, MedGen C3810023, MONDO:0014263, OMIM 615583.

Submissions (2):

Baylor Genetics
Classification: Uncertain significance for 8q24.3 microdeletion syndrome. Last evaluated: 2024-02-19. Review status: criteria provided, single submitter. Criteria: ACMG Guidelines, 2015. Collection method: clinical testing. Allele origin: unknown.

Juno Genomics, Hangzhou Juno Genomics, Inc
Classification: Uncertain significance for 8q24.3 microdeletion syndrome. Review status: criteria provided, single submitter. Criteria: ACMG Guidelines, 2015. Collection method: clinical testing. Allele origin: germline.
Comment: Absent from controls (or at extremely low frequency if recessive) in Genome Aggregation Database.;Multiple lines of computational evidence support a deleterious effect on the gene or gene product.

NM_078480.3(PUF60):c.603G>A (p.Lys201=)

Gene: PUF60 (poly(U) binding splicing factor 60; minus strand). Cytogenetic location: 8q24.3.
Variant type: single nucleotide variant.
Coding change: c.603G>A on transcript NM_078480.3 (MANE Select); coding-DNA position 603, G replaced by A.
Protein change: p.Lys201=; no amino-acid change (lysine 201 retained).
Molecular consequence: synonymous variant.
Genome position (GRCh38, 1-based): chr8:143,818,193, C>T on the plus strand (G>A on the coding strand, the complement: PUF60 is on the minus strand). VCF-style: chr8-143818193-C-T. GRCh37 (hg19) VCF-style: chr8-144900363-C-T.
Other names: c.714G>A, p.Lys238= (NM_001362896.2, NM_001362895.2); c.663G>A, p.Lys221= (NM_001362897.2); c.552G>A, p.Lys184= (NM_014281.5); c.474G>A, p.Lys158= (NM_001136033.3); c.549G>A, p.Lys183= (NM_001271096.2); c.465G>A, p.Lys155= (NM_001271097.2); c.600G>A, p.Lys200= (NM_001271098.2); c.516G>A, p.Lys172= (NM_001271099.2); and 1 more.
Identifiers: ClinVar variation 1034210 (VCV001034210.4), dbSNP rs1816591218, ClinGen allele CA1825989092.
Genomic context (GRCh38, chr8:143,818,193, plus strand): 5'-CTTCCGTGGAGGGGCAGCCCTGCACGCCTGCGGGATCGAGGCCTTGGCTCCCTGCCTCAC[C>T]TTGATGTTCCTGCCCCCCAGCATCACCGAGTTCATCTGCTCCAAGGCCAGCTGTGCAGCT-3'
Protein context (NP_510965.1, residues 191-211): NSVMLGGRNI[Lys201=]VGRPSNIGQA